The following is an entry in ClinVar:

NM_000232.5(SGCB):c.272G>T (p.Arg91Leu)

Gene: SGCB (sarcoglycan beta; minus strand). Cytogenetic location: 4q12.
Variant type: single nucleotide variant.
Coding change: c.272G>T on transcript NM_000232.5 (MANE Select); coding-DNA position 272, G replaced by T.
Protein change: p.Arg91Leu; replaces arginine 91 with leucine.
Molecular consequence: missense variant.
Genome position (GRCh38, 1-based): chr4:52,029,835, C>A on the plus strand (G>T on the coding strand, the complement: SGCB is on the minus strand). VCF-style: chr4-52029835-C-A. GRCh37 (hg19) VCF-style: chr4-52896001-C-A.
Other names: short protein forms R91L.
Identifiers: ClinVar variation 8719 (VCV000008719.12), dbSNP rs104893869, ClinGen allele CA119860.
Genomic context (GRCh38, chr4:52,029,835, plus strand): 5'-TTAAATCGAAGCAGGCCACTTTCATGAAACTCCATACTATCACAGCCATTTGGTCCAATG[C>A]GAATCACGGCCCAAATAACAAGTGTTATCTGAAAAAGAACACAAGTCCACTGTTGGTAGG-3'
Protein context (NP_000223.1, residues 81-101): IITLVIWAVI[Arg91Leu]IGPNGCDSME

ClinVar aggregate classification (germline): Pathogenic/Likely pathogenic. Review status: criteria provided, multiple submitters, no conflicts (2 of 4 stars). 5 submissions from 5 submitters: Pathogenic (1); Likely pathogenic (3). 1 of the submissions does not count toward it. Last evaluated 2025-09-02.

Conditions:
Autosomal recessive limb-girdle muscular dystrophy type 2E (LGMDR4). Also called: MUSCULAR DYSTROPHY, LIMB-GIRDLE, AUTOSOMAL RECESSIVE 4. Identifiers: Orphanet 119, MedGen C1858593, MONDO:0011423, OMIM 604286. Disease mechanism: Affects gamma-sarcoglycan and also disrupts the integrity of the entire sarcoglycan complex..

gnomAD v4.1: 1 of 1,613,542 alleles (0.000062%); highest among the groups gnomAD compares: Admixed American, 0.0017%; no homozygotes.

Submissions (5):

Natera, Inc.
Classification: Likely pathogenic for Limb-girdle muscular dystrophy type 2E. Last evaluated: 2025-09-02. Review status: criteria provided, single submitter. Criteria: Natera Variant Classification Schema (03/2026). Collection method: clinical testing. Allele origin: germline.
Comment: The c.272G>T variant in SGCB is a missense variant predicted to cause substitution of arginine to leucine at amino acid 91. This variant is rare in the general population with a frequency below the threshold expected for the associated phenotype(s). This variant has been observed in one or more individuals affected with the associated recessive disease, as either homozygous or compound heterozygous with a second variant (PMID: 9631401, 35416532). A different variant at the same position has been determined to be Pathogenic or Likely Pathogenic. Computational prediction algorithms indicate this variant is likely to affect gene or protein function. Given the available evidence, this variant is classified as Likely Pathogenic.

Dasa
Classification: Likely pathogenic. Last evaluated: 2025-02-06. Review status: criteria provided, single submitter. Criteria: DASA Assertion Criteria. Collection method: clinical testing. Allele origin: germline.
Comment: NM_000232.5(SGCB):c.272G>T (p.Arg91Leu) is a missense variant that results in the substitution of arginine with leucine. The affected residue or protein region has prior evidence supporting clinical relevance. This variant has been reported in individuals with SGCB-related disorders (PMID: 9631401). Functional evidence supports an impact on the gene or gene product. Also, this variant is rare in population databases. Computational evidence supports a deleterious effect. Based on the currently available evidence, this variant is classified as likely pathogenic.

Revvity Omics, Revvity
Classification: Pathogenic for Autosomal recessive limb-girdle muscular dystrophy type 2E. Last evaluated: 2019-08-01. Review status: criteria provided, single submitter. Criteria: ACMG Guidelines, 2015. Collection method: clinical testing. Allele origin: germline.

Eurofins Ntd Llc (ga)
Classification: Likely pathogenic. Last evaluated: 2017-06-20. Review status: criteria provided, single submitter. Criteria: EGL Classification Definitions 2015. Collection method: clinical testing. Allele origin: germline. Observed: 1 variant allele, 1 heterozygote.

OMIM
Classification: Pathogenic for MUSCULAR DYSTROPHY, LIMB-GIRDLE, AUTOSOMAL RECESSIVE 4. Last evaluated: 1998-05-01. Review status: no assertion criteria provided. Collection method: literature only. Allele origin: germline. Not counted in ClinVar's aggregate classification.

Literature cited by the submitters: PubMed 9631401 (cited by 3 submitters); PubMed 35416532 (cited by Natera, Inc.); PubMed 37317968 (cited by Dasa).